The following is an entry in ClinVar:

NM_001171.6(ABCC6):c.3773C>G (p.Pro1258Arg)

Gene: ABCC6 (ATP binding cassette subfamily C member 6; minus strand). Cytogenetic location: 16p13.11.
Variant type: single nucleotide variant.
Coding change: c.3773C>G on transcript NM_001171.6 (MANE Select); coding-DNA position 3773, C replaced by G.
Protein change: p.Pro1258Arg; replaces proline 1258 with arginine.
Molecular consequence: missense variant. On other transcripts: non-coding transcript variant (1).
Genome position (GRCh38, 1-based): chr16:16,157,772, G>C on the plus strand (C>G on the coding strand, the complement: ABCC6 is on the minus strand). VCF-style: chr16-16157772-G-C. GRCh37 (hg19) VCF-style: chr16-16251629-G-C.
Other names: c.3773C>G (NM_001171.5); c.3431C>G, p.Pro1144Arg (NM_001351800.1); short protein forms P1258R, P1144R.
Identifiers: ClinVar variation 1927509 (VCV001927509.5), dbSNP rs974849688, ClinGen allele CA278627609.

ClinVar aggregate classification (germline): Uncertain significance. Review status: criteria provided, multiple submitters, no conflicts (2 of 4 stars). 3 submissions from 3 submitters: Uncertain significance (3). Last evaluated 2024-12-25.

Conditions:
Inborn genetic diseases. Identifiers: MedGen C0950123, MeSH D030342.
Pseudoxanthoma elasticum, forme fruste. Also called: Pseudoxanthoma Elasticum, Incomplete; PSEUDOXANTHOMA ELASTICUM, HETEROZYGOUS. Identifiers: Orphanet 758, MedGen C1867450, MONDO:0008333, OMIM 177850.
Arterial calcification, generalized, of infancy, 2. Identifiers: Orphanet 51608, MedGen C3276161, MONDO:0013768, OMIM 614473.
Autosomal recessive inherited pseudoxanthoma elasticum (PXE). Identifiers: Orphanet 758, MedGen CN032334, MONDO:0009925, OMIM 264800.

Allele frequency attached by ClinVar (database versions not stated): TOPMed below 0.00001.
gnomAD v4.1: 13 of 1,613,546 alleles (0.00081%); highest among the groups gnomAD compares: East Asian, 0.016%; no homozygotes.

Submissions (3):

Ambry Genetics
Classification: Uncertain significance for Inborn genetic diseases. Last evaluated: 2024-12-25. Review status: criteria provided, single submitter. Criteria: Ambry Variant Classification Scheme 2023. Collection method: clinical testing. Allele origin: germline.

Fulgent Genetics
Classification: Uncertain significance for Pseudoxanthoma elasticum, forme fruste; Autosomal recessive inherited pseudoxanthoma elasticum; Arterial calcification, generalized, of infancy, 2. Last evaluated: 2024-01-13. Review status: criteria provided, single submitter. Criteria: ACMG Guidelines, 2015. Collection method: clinical testing. Allele origin: germline.

Labcorp Genetics (formerly Invitae), Labcorp
Classification: Uncertain significance. Last evaluated: 2022-06-02. Review status: criteria provided, single submitter. Criteria: Invitae Variant Classification Sherloc (09022015). Collection method: clinical testing. Allele origin: germline.
Comment: This sequence change replaces proline, which is neutral and non-polar, with arginine, which is basic and polar, at codon 1258 of the ABCC6 protein (p.Pro1258Arg). This variant is not present in population databases (gnomAD no frequency). This variant has not been reported in the literature in individuals affected with ABCC6-related conditions. Advanced modeling of protein sequence and biophysical properties (such as structural, functional, and spatial information, amino acid conservation, physicochemical variation, residue mobility, and thermodynamic stability) performed at Invitae indicates that this missense variant is not expected to disrupt ABCC6 protein function. In summary, the available evidence is currently insufficient to determine the role of this variant in disease. Therefore, it has been classified as a Variant of Uncertain Significance.